The following is an entry in ClinVar:

ClinVar aggregate classification (germline): Uncertain significance (1 of 4 stars; one submission).

Conditions:
Inborn genetic diseases. Identifiers: MedGen C0950123, MeSH D030342.

Allele frequency attached by ClinVar (database versions not stated): ExAC 0.00001; gnomAD 0.00002.
gnomAD v4.1: 2 of 1,548,178 alleles (0.00013%); highest among the groups gnomAD compares: Admixed American, 0.0019%; no homozygotes.

Submission:

Ambry Genetics
Classification: Uncertain significance for Inborn genetic diseases. Last evaluated: 2022-05-21. Review status: criteria provided, single submitter. Criteria: Ambry Variant Classification Scheme 2023. Collection method: clinical testing. Allele origin: germline.
Comment: The p.V740E variant (also known as c.2219T>A), located in coding exon 4 of the NEFH gene, results from a T to A substitution at nucleotide position 2219. The valine at codon 740 is replaced by glutamic acid, an amino acid with dissimilar properties. This amino acid position is conserved. In addition, this alteration is predicted to be tolerated by in silico analysis. Since supporting evidence is limited at this time, the clinical significance of this alteration remains unclear.

NM_021076.4(NEFH):c.2219T>A (p.Val740Glu)

Gene: NEFH (neurofilament heavy chain; plus strand). Cytogenetic location: 22q12.2.
Variant type: single nucleotide variant.
Coding change: c.2219T>A on transcript NM_021076.4 (MANE Select); coding-DNA position 2219, T replaced by A.
Protein change: p.Val740Glu; replaces valine 740 with glutamic acid.
Molecular consequence: missense variant.
Genome position (GRCh38, 1-based): chr22:29,489,859, T>A. VCF-style: chr22-29489859-T-A. GRCh37 (hg19) VCF-style: chr22-29885848-T-A.
Other names: short protein forms V740E.
Identifiers: ClinVar variation 1787891 (VCV001787891.2), dbSNP rs464517, ClinGen allele CA10174376.